The following is an entry in ClinVar:

NM_000465.4(BARD1):c.2206T>C (p.Tyr736His)

Gene: BARD1 (BRCA1 associated RING domain 1; minus strand). Cytogenetic location: 2q35.
Variant type: single nucleotide variant.
Coding change: c.2206T>C on transcript NM_000465.4 (MANE Select); coding-DNA position 2206, T replaced by C.
Protein change: p.Tyr736His; replaces tyrosine 736 with histidine.
Molecular consequence: missense variant. On other transcripts: non-coding transcript variant (3).
Genome position (GRCh38, 1-based): chr2:214,728,804, A>G on the plus strand (T>C on the coding strand, the complement: BARD1 is on the minus strand). VCF-style: chr2-214728804-A-G. GRCh37 (hg19) VCF-style: chr2-215593528-A-G.
Other names: c.2149T>C, p.Tyr717His (NM_001282543.2); c.853T>C, p.Tyr285His (NM_001282545.2); c.796T>C, p.Tyr266His (NM_001282548.2); c.667T>C, p.Tyr223His (NM_001282549.2); short protein forms Y736H, Y266H, Y717H, Y285H, Y223H.
Identifiers: ClinVar variation 584628 (VCV000584628.17), dbSNP rs1559371905, ClinGen allele CA350450220.

ClinVar aggregate classification (germline): Uncertain significance. Review status: criteria provided, multiple submitters, no conflicts (2 of 4 stars). 4 submissions from 4 submitters: Uncertain significance (4). Last evaluated 2025-10-16.

Conditions:
Hereditary cancer-predisposing syndrome. Also called: Neoplastic Syndromes, Hereditary; Hereditary Cancer Syndrome; Hereditary neoplastic syndrome; Tumor predisposition. Identifiers: Orphanet 140162, MedGen C0027672, MeSH D009386, MONDO:0015356.
Familial cancer of breast. Also called: BREAST CANCER, FAMILIAL; Hereditary breast cancer; hereditary breast carcinoma. Identifiers: Orphanet 227535, MedGen C0346153, MONDO:0016419, OMIM 114480. Disease mechanism: loss of function.

Submissions (4):

Dasa
Classification: Uncertain significance. Last evaluated: 2025-10-16. Review status: criteria provided, single submitter. Criteria: DASA Assertion Criteria. Collection method: clinical testing. Allele origin: germline.
Comment: NM_000465.4(BARD1):c.2206T>C (p.Tyr736His) is a missense variant that results in the substitution of tyrosine with histidine. This variant is absent from population databases. The currently available literature and clinical evidence are not sufficient to establish a definitive association between this variant and the reported condition. Therefore, this variant is classified as a variant of uncertain significance.

Labcorp Genetics (formerly Invitae), Labcorp
Classification: Uncertain significance for Familial cancer of breast. Last evaluated: 2025-03-09. Review status: criteria provided, single submitter. Criteria: Invitae Variant Classification Sherloc (09022015). Collection method: clinical testing. Allele origin: germline.
Comment: This sequence change replaces tyrosine, which is neutral and polar, with histidine, which is basic and polar, at codon 736 of the BARD1 protein (p.Tyr736His). This variant is not present in population databases (gnomAD no frequency). This missense change has been observed in individual(s) with breast cancer (PMID: 35264596, 35957908). ClinVar contains an entry for this variant (Variation ID: 584628). An algorithm developed to predict the effect of missense changes on protein structure and function (PolyPhen-2) suggests that this variant is likely to be disruptive. In summary, the available evidence is currently insufficient to determine the role of this variant in disease. Therefore, it has been classified as a Variant of Uncertain Significance.

Ambry Genetics
Classification: Uncertain significance for Hereditary cancer-predisposing syndrome. Last evaluated: 2021-09-12. Review status: criteria provided, single submitter. Criteria: Ambry Variant Classification Scheme 2023. Collection method: clinical testing. Allele origin: germline.
Comment: The p.Y736H variant (also known as c.2206T>C), located in coding exon 11 of the BARD1 gene, results from a T to C substitution at nucleotide position 2206. The tyrosine at codon 736 is replaced by histidine, an amino acid with similar properties. This amino acid position is highly conserved in available vertebrate species. In addition, the in silico prediction for this alteration is inconclusive. Since supporting evidence is limited at this time, the clinical significance of this alteration remains unclear.

Mendelics
Classification: Uncertain significance for Familial cancer of breast. Last evaluated: 2018-07-02. Review status: criteria provided, single submitter. Criteria: Mendelics Assertion Criteria 2017. Collection method: clinical testing. Allele origin: unknown.

Literature cited by the submitters: PubMed 35264596 (cited by Labcorp Genetics (formerly Invitae), Labcorp); PubMed 35957908 (cited by Labcorp Genetics (formerly Invitae), Labcorp).